The following is an entry in ClinVar:

ClinVar aggregate classification (germline): Uncertain significance (1 of 4 stars; one submission).

Conditions:
Hyperekplexia 3 (HKPX3). Also called: HYPEREKPLEXIA 3, AUTOSOMAL RECESSIVE; HYPEREKPLEXIA 3, AUTOSOMAL DOMINANT. Identifiers: Orphanet 3197, MedGen C3553288, MONDO:0013827, OMIM 614618.

Allele frequency attached by ClinVar (database versions not stated): TOPMed below 0.00001; ExAC 0.00001; gnomAD exomes 0.00001 and 0.00003; ESP Exome Variant Server 0.00008.
gnomAD v4.1: 27 of 1,614,178 alleles (0.0017%); highest among the groups gnomAD compares: Non-Finnish European, 0.0023%; no homozygotes.

Submission:

Labcorp Genetics (formerly Invitae), Labcorp
Classification: Uncertain significance for Hyperekplexia 3. Last evaluated: 2021-08-28. Review status: criteria provided, single submitter. Criteria: Invitae Variant Classification Sherloc (09022015). Collection method: clinical testing. Allele origin: germline.
Comment: This sequence change replaces lysine with glutamine at codon 138 of the SLC6A5 protein (p.Lys138Gln). The lysine residue is moderately conserved and there is a small physicochemical difference between lysine and glutamine. This variant is present in population databases (rs140334751, ExAC 0.01%). This variant has not been reported in the literature in individuals affected with SLC6A5-related conditions. Advanced modeling of protein sequence and biophysical properties (such as structural, functional, and spatial information, amino acid conservation, physicochemical variation, residue mobility, and thermodynamic stability) performed at Invitae indicates that this missense variant is not expected to disrupt SLC6A5 protein function. In summary, the available evidence is currently insufficient to determine the role of this variant in disease. Therefore, it has been classified as a Variant of Uncertain Significance.

NM_004211.5(SLC6A5):c.412A>C (p.Lys138Gln)

Gene: SLC6A5 (solute carrier family 6 member 5; plus strand). Cytogenetic location: 11p15.1.
Variant type: single nucleotide variant.
Coding change: c.412A>C on transcript NM_004211.5 (MANE Select); coding-DNA position 412, A replaced by C.
Protein change: p.Lys138Gln; replaces lysine 138 with glutamine.
Molecular consequence: missense variant. On other transcripts: 5 prime UTR variant (1).
Genome position (GRCh38, 1-based): chr11:20,601,537, A>C. VCF-style: chr11-20601537-A-C. GRCh37 (hg19) VCF-style: chr11-20623083-A-C.
Other names: c.-152A>C (NM_001318369.2); short protein forms K138Q.
Identifiers: ClinVar variation 1428265 (VCV001428265.3), dbSNP rs140334751, ClinGen allele CA5921077.
Genomic context (GRCh38, chr11:20,601,537, plus strand): 5'-CTGCACTGTAAGATCCCTTTTCTGCGAGGCCCGGAGGGGGATGCGAACGTGAGTGTGGGC[A>C]AGGGCACCCTGGAGCGGAACAATACCCCTGTTGTGGGCTGGGTGAACATGAGCCAGAGCA-3'
Protein context (NP_004202.4, residues 128-148): PEGDANVSVG[Lys138Gln]GTLERNNTPV